The following is an entry in ClinVar:

NM_018136.4(ASPM):c.[10168C>T];[8098C>T]

Variant type: CompoundHeterozygote.
Identifiers: ClinVar variation 424707 (VCV000424707.3).

ClinVar aggregate classification (germline): Pathogenic (0 of 4 stars; one submission).

Conditions:
Microcephaly 5, primary, autosomal recessive (MCPH5). Also called: ASPM Primary Microcephaly. Identifiers: Orphanet 2512, MedGen C1837501, MONDO:0012106, OMIM 608716.

Submission:

Medical Research Institute, Tokyo Medical and Dental University
Classification: Pathogenic for Primary autosomal recessive microcephaly 5. Review status: no assertion criteria provided. Collection method: research. Allele origin: germline. Inheritance: Autosomal recessive inheritance. Affected: yes. Observed: 2 variant alleles, 2 compound heterozygotes.
Comment: The mutations were observed in 2 affected individuals of a microcephaly family. They have the same compound heterozygous mutations. Their parents were carriers of the either mutation, and 2 normal sisters of the family did not have the mutations.

Literature cited by the submitters: PubMed 25786579.